The following is an entry in ClinVar:

NM_002734.5(PRKAR1A):c.341T>A (p.Val114Asp)

Gene: PRKAR1A (protein kinase cAMP-dependent type I regulatory subunit alpha; plus strand). Cytogenetic location: 17q24.2.
Variant type: single nucleotide variant.
Coding change: c.341T>A on transcript NM_002734.5 (MANE Select); coding-DNA position 341, T replaced by A.
Protein change: p.Val114Asp; replaces valine 114 with aspartic acid.
Molecular consequence: missense variant.
Genome position (GRCh38, 1-based): chr17:68,522,919, T>A. VCF-style: chr17-68522919-T-A. GRCh37 (hg19) VCF-style: chr17-66519060-T-A.
Other names: c.341T>A, p.Val114Asp (NM_001276289.2, NM_001276290.1, NM_001278433.2 and 4 more transcripts); short protein forms V114D.
Identifiers: ClinVar variation 3425085 (VCV003425085.1).
Genomic context (GRCh38, chr17:68,522,919, plus strand): 5'-GGAGGCGACGAGGTGCTATCAGCGCTGAGGTCTACACGGAGGAAGATGCGGCATCCTATG[T>A]TAGAAAGGTAGTTTTGATATTTGAATATCGGGGGGATGCTTTTGGGACCCACTTGGTGGT-3'
Protein context (NP_002725.1, residues 104-124): VYTEEDAASY[Val114Asp]RKVIPKDYKT

ClinVar aggregate classification (germline): Uncertain significance (1 of 4 stars; one submission).

Conditions:
Hereditary cancer-predisposing syndrome. Also called: Neoplastic Syndromes, Hereditary; Tumor predisposition; Hereditary Cancer Syndrome; Hereditary neoplastic syndrome. Identifiers: Orphanet 140162, MedGen C0027672, MeSH D009386, MONDO:0015356.

Submission:

Ambry Genetics
Classification: Uncertain significance for Hereditary cancer-predisposing syndrome. Last evaluated: 2024-12-10. Review status: criteria provided, single submitter. Criteria: Ambry Variant Classification Scheme 2023. Collection method: clinical testing. Allele origin: germline.
Comment: The p.V114D variant (also known as c.341T>A), located in coding exon 2 of the PRKAR1A gene, results from a T to A substitution at nucleotide position 341. The valine at codon 114 is replaced by aspartic acid, an amino acid with highly dissimilar properties. This amino acid position is conserved. In addition, this alteration is predicted to be deleterious by in silico analysis. Based on the available evidence, the clinical significance of this variant remains unclear.